The following is an entry in ClinVar:

NM_014956.5(CEP164):c.370A>G (p.Arg124Gly)

Gene: CEP164 (centrosomal protein 164; plus strand). Cytogenetic location: 11q23.3.
Variant type: single nucleotide variant.
Coding change: c.370A>G on transcript NM_014956.5 (MANE Select); coding-DNA position 370, A replaced by G.
Protein change: p.Arg124Gly; replaces arginine 124 with glycine.
Molecular consequence: missense variant.
Genome position (GRCh38, 1-based): chr11:117,351,965, A>G. VCF-style: chr11-117351965-A-G. GRCh37 (hg19) VCF-style: chr11-117222681-A-G.
Other names: c.370A>G, p.Arg124Gly (NM_001271933.2); short protein forms R124G.
Identifiers: ClinVar variation 1492447 (VCV001492447.9), dbSNP rs2135446492, ClinGen allele CA382726233.
Genomic context (GRCh38, chr11:117,351,965, plus strand): 5'-TCAACTTCTGGGGCCATTAAGAAGAAGAAAAAAAAAAAGGAAAAGAAAGACAAGAAGGAC[A>G]GAGACCCCCCCAAAAGTTCGCTGGTGAGTCAGTGGATGCCTCCTCCCAGAGAGGCCAGGG-3'
Protein context (NP_055771.4, residues 114-134): KKKEKKDKKD[Arg124Gly]DPPKSSLALG

ClinVar aggregate classification (germline): Uncertain significance. Review status: criteria provided, multiple submitters, no conflicts (2 of 4 stars). 2 submissions from 2 submitters: Uncertain significance (2). Last evaluated 2024-05-17.

Conditions:
Nephronophthisis 15 (NPHP15). Identifiers: Orphanet 3156, MedGen C3541853, MONDO:0013917, OMIM 614845.

Submissions (2):

Fulgent Genetics
Classification: Uncertain significance for Nephronophthisis 15. Last evaluated: 2024-05-17. Review status: criteria provided, single submitter. Criteria: ACMG Guidelines, 2015. Collection method: clinical testing. Allele origin: germline.

Labcorp Genetics (formerly Invitae), Labcorp
Classification: Uncertain significance for Nephronophthisis 15. Last evaluated: 2022-07-25. Review status: criteria provided, single submitter. Criteria: Invitae Variant Classification Sherloc (09022015). Collection method: clinical testing. Allele origin: germline.
Comment: This sequence change replaces arginine, which is basic and polar, with glycine, which is neutral and non-polar, at codon 124 of the CEP164 protein (p.Arg124Gly). This variant is not present in population databases (gnomAD no frequency). In summary, the available evidence is currently insufficient to determine the role of this variant in disease. Therefore, it has been classified as a Variant of Uncertain Significance. Algorithms developed to predict the effect of missense changes on protein structure and function (SIFT, PolyPhen-2, Align-GVGD) all suggest that this variant is likely to be tolerated. ClinVar contains an entry for this variant (Variation ID: 1492447). This variant has not been reported in the literature in individuals affected with CEP164-related conditions.